The following is an entry in ClinVar:

ClinVar aggregate classification (germline): Uncertain significance (1 of 4 stars; one submission).

Conditions:
Congenital omphalocele. Also called: Omphalocele; Omphalocoele. Identifiers: Orphanet 660, MedGen C0795690, MONDO:0019015, HP:0001539.
Ambiguous genitalia. Identifiers: MedGen C0266362, HP:0000062.
Orofacial cleft. Also called: Oral cleft; Orofacial clefting. Identifiers: MedGen C3266076, MONDO:0000358, HP:0000202.
Hypotonia. Also called: Muscular hypotonia; poor muscle tone. Identifiers: MedGen C0026827, HP:0001252.

Submission:

Laboratorio de Genetica e Diagnostico Molecular, Hospital Israelita Albert Einstein
Classification: Uncertain significance for Congenital omphalocele; Orofacial cleft; Hypotonia; Ambiguous genitalia. Last evaluated: 2021-05-10. Review status: criteria provided, single submitter. Criteria: ACMG Guidelines, 2015. Collection method: clinical testing. Allele origin: germline. Affected: yes.
Comment: ACMG classification criteria: PM2 moderate, PP2 supporting, PP3 supporting

NM_001110556.2(FLNA):c.571G>T (p.Asp191Tyr)

Gene: FLNA (filamin A; minus strand). Cytogenetic location: Xq28.
Variant type: single nucleotide variant.
Coding change: c.571G>T on transcript NM_001110556.2 (MANE Select); coding-DNA position 571, G replaced by T.
Protein change: p.Asp191Tyr; replaces aspartic acid 191 with tyrosine.
Molecular consequence: missense variant.
Genome position (GRCh38, 1-based): chrX:154,367,893, C>A on the plus strand (G>T on the coding strand, the complement: FLNA is on the minus strand). VCF-style: chrX-154367893-C-A. GRCh37 (hg19) VCF-style: chrX-153596261-C-A.
Other names: c.571G>T, p.Asp191Tyr (NM_001456.4); short protein forms D191Y.
Identifiers: ClinVar variation 1683530 (VCV001683530.2), dbSNP rs2148119358, ClinGen allele CA415249231.